The following is an entry in ClinVar:

ClinVar aggregate classification (germline): Uncertain significance (1 of 4 stars; one submission).

Submission:

Labcorp Genetics (formerly Invitae), Labcorp
Classification: Uncertain significance. Last evaluated: 2023-06-30. Review status: criteria provided, single submitter. Criteria: Invitae Variant Classification Sherloc (09022015). Collection method: clinical testing. Allele origin: germline.
Comment: In summary, the available evidence is currently insufficient to determine the role of this variant in disease. Therefore, it has been classified as a Variant of Uncertain Significance. This variant has not been reported in the literature in individuals affected with THPO-related conditions. This variant is not present in population databases (gnomAD no frequency). This variant, c.232_234del, results in the deletion of 1 amino acid(s) of the THPO protein (p.Glu78del), but otherwise preserves the integrity of the reading frame. Experimental studies and prediction algorithms are not available or were not evaluated, and the functional significance of this variant is currently unknown.

NC_000003.12:g.184373579CCT[1]

Gene: THPO (thrombopoietin; minus strand). Cytogenetic location: 3q27.1.
Variant type: Microsatellite.
Genome position: GRCh38 VCF-style: chr3-184373576-TCTC-T. GRCh37 (hg19) VCF-style: chr3-184091364-TCTC-T.
Identifiers: ClinVar variation 2824192 (VCV002824192.3), dbSNP rs2474335251, ClinGen allele CA2668834562.